The following is an entry in ClinVar:

NM_004370.6(COL12A1):c.2761A>G (p.Ile921Val)

Gene: COL12A1 (collagen type XII alpha 1 chain; minus strand). Cytogenetic location: 6q13.
Variant type: single nucleotide variant.
Coding change: c.2761A>G on transcript NM_004370.6 (MANE Select); coding-DNA position 2761, A replaced by G.
Protein change: p.Ile921Val; replaces isoleucine 921 with valine.
Molecular consequence: missense variant. On other transcripts: intron variant (2).
Genome position (GRCh38, 1-based): chr6:75,165,729, T>C on the plus strand (A>G on the coding strand, the complement: COL12A1 is on the minus strand). VCF-style: chr6-75165729-T-C. GRCh37 (hg19) VCF-style: chr6-75875445-T-C.
Other names: c.2761A>G, p.Ile921Val (NM_001424113.1, NM_001424114.1); c.2488A>G, p.Ile830Val (NM_001424115.1); c.74-13247A>G (NM_001424116.1, NM_080645.3); short protein forms I921V, I830V.
Identifiers: ClinVar variation 2932950 (VCV002932950.3), dbSNP rs371252603, ClinGen allele CA3893880.
Genomic context (GRCh38, chr6:75,165,729, plus strand): 5'-ATTTCCATGAGACCCTGTAACCGCGAACCATTCCTGGAGCAGATGTCCAATAAGCCCCAA[T>C]TGATGTGTCAGTGATGTCTTTAGTAACTAAATCTTGAGGAGAACCACGTTCTAGAACAGA-3'
Protein context (NP_004361.3, residues 911-931): LVTKDITDTS[Ile921Val]GAYWTSAPGM

ClinVar aggregate classification (germline): Uncertain significance (1 of 4 stars; one submission).

Conditions:
Ullrich congenital muscular dystrophy 2 (UCMD2). Identifiers: Orphanet 75840, MedGen C4225314, MONDO:0014654, OMIM 616470.
Bethlem myopathy 2 (BTHLM2). Identifiers: Orphanet 536516, Orphanet 610, MedGen C4225313, MONDO:0034022, OMIM 616471.

Allele frequency attached by ClinVar (database versions not stated): ExAC 0.00001; gnomAD 0.00001; TOPMed 0.00001; ESP Exome Variant Server 0.00008.
gnomAD v4.1: 10 of 1,613,828 alleles (0.00062%); highest among the groups gnomAD compares: African/African-American, 0.0013%; no homozygotes.

Submission:

Labcorp Genetics (formerly Invitae), Labcorp
Classification: Uncertain significance for Bethlem myopathy 2; Ullrich congenital muscular dystrophy 2. Last evaluated: 2024-08-28. Review status: criteria provided, single submitter. Criteria: Invitae Variant Classification Sherloc (09022015). Collection method: clinical testing. Allele origin: germline.
Comment: This sequence change replaces isoleucine, which is neutral and non-polar, with valine, which is neutral and non-polar, at codon 921 of the COL12A1 protein (p.Ile921Val). This variant is present in population databases (rs371252603, gnomAD 0.0009%). This variant has not been reported in the literature in individuals affected with COL12A1-related conditions. Invitae Evidence Modeling of protein sequence and biophysical properties (such as structural, functional, and spatial information, amino acid conservation, physicochemical variation, residue mobility, and thermodynamic stability) indicates that this missense variant is not expected to disrupt COL12A1 protein function with a negative predictive value of 80%. In summary, the available evidence is currently insufficient to determine the role of this variant in disease. Therefore, it has been classified as a Variant of Uncertain Significance.